The following is an entry in ClinVar:

NM_032634.4(PIGO):c.401G>A (p.Arg134His)

Gene: PIGO (phosphatidylinositol glycan anchor biosynthesis class O; minus strand). Cytogenetic location: 9p13.3.
Variant type: single nucleotide variant.
Coding change: c.401G>A on transcript NM_032634.4 (MANE Select); coding-DNA position 401, G replaced by A.
Protein change: p.Arg134His; replaces arginine 134 with histidine.
Molecular consequence: missense variant.
Genome position (GRCh38, 1-based): chr9:35,095,165, C>T on the plus strand (G>A on the coding strand, the complement: PIGO is on the minus strand). VCF-style: chr9-35095165-C-T. GRCh37 (hg19) VCF-style: chr9-35095162-C-T.
Other names: c.401G>A, p.Arg134His (NM_001201484.2, NM_152850.4); short protein forms R134H.
Identifiers: ClinVar variation 649226 (VCV000649226.7), dbSNP rs754686515, ClinGen allele CA192716309.

ClinVar aggregate classification (germline): Uncertain significance. Review status: criteria provided, multiple submitters, no conflicts (2 of 4 stars). 2 submissions from 2 submitters: Uncertain significance (2). Last evaluated 2025-09-18.

Conditions:
Hyperphosphatasia with impaired intellectual development syndrome 2. Also called: Hyperphosphatasia with intellectual disability syndrome 2; GLYCOSYLPHOSPHATIDYLINOSITOL BIOSYNTHESIS DEFECT 6. Identifiers: Orphanet 247262, MedGen C3553637, MONDO:0013882, OMIM 614749.
PIGO-related disorder. Also called: PIGO-related condition.

Allele frequency attached by ClinVar (database versions not stated): gnomAD exomes 0.00001 and below 0.00001; gnomAD 0.00004; TOPMed 0.00002.
gnomAD v4.1: 24 of 1,614,028 alleles (0.0015%); highest among the groups gnomAD compares: African/African-American, 0.0053%; no homozygotes.

Submissions (2):

PreventionGenetics, part of Exact Sciences
Classification: Uncertain significance for PIGO-related condition. Last evaluated: 2025-09-18. Review status: criteria provided, single submitter. Criteria: ACMG Guidelines, 2015. Collection method: clinical testing. Allele origin: germline.
Comment: The PIGO c.401G>A variant is predicted to result in the amino acid substitution p.Arg134His. To our knowledge, this variant has not been reported in the literature. This variant is reported in 0.0015% of alleles in individuals of European (Non-Finnish) descent in gnomAD. At this time, the clinical significance of this variant is uncertain due to the absence of conclusive functional and genetic evidence.

Labcorp Genetics (formerly Invitae), Labcorp
Classification: Uncertain significance for Hyperphosphatasia with impaired intellectual development syndrome 2. Last evaluated: 2022-06-20. Review status: criteria provided, single submitter. Criteria: Invitae Variant Classification Sherloc (09022015). Collection method: clinical testing. Allele origin: germline.
Comment: This sequence change replaces arginine, which is basic and polar, with histidine, which is basic and polar, at codon 134 of the PIGO protein (p.Arg134His). This variant is present in population databases (no rsID available, gnomAD 0.002%). This missense change has been observed in individual(s) with clinical features of PIGO-related conditions (Invitae). ClinVar contains an entry for this variant (Variation ID: 649226). Algorithms developed to predict the effect of missense changes on protein structure and function (SIFT, PolyPhen-2, Align-GVGD) all suggest that this variant is likely to be disruptive. In summary, the available evidence is currently insufficient to determine the role of this variant in disease. Therefore, it has been classified as a Variant of Uncertain Significance.